The following is an entry in ClinVar:

ClinVar aggregate classification (germline): Benign/Likely benign. Review status: criteria provided, multiple submitters, no conflicts (2 of 4 stars). 3 submissions from 3 submitters: Benign (1); Likely benign (2). Last evaluated 2025-09-28.

Conditions:
Hereditary cancer-predisposing syndrome. Also called: Hereditary neoplastic syndrome; Hereditary Cancer Syndrome; Neoplastic Syndromes, Hereditary; Tumor predisposition. Identifiers: Orphanet 140162, MedGen C0027672, MeSH D009386, MONDO:0015356.
Familial cancer of breast. Also called: BREAST CANCER, FAMILIAL; hereditary breast carcinoma; Hereditary breast cancer. Identifiers: Orphanet 227535, MedGen C0346153, MONDO:0016419, OMIM 114480. Disease mechanism: loss of function.

Allele frequency attached by ClinVar (database versions not stated): gnomAD 0.00001; ExAC 0.00002; gnomAD exomes 0.00002 and 0.00003; TOPMed 0.00002; ESP Exome Variant Server 0.00008.
gnomAD v4.1: 40 of 1,612,164 alleles (0.0025%); highest among the groups gnomAD compares: Non-Finnish European, 0.0033%; no homozygotes.

Submissions (3):

Labcorp Genetics (formerly Invitae), Labcorp
Classification: Likely benign for Familial cancer of breast. Last evaluated: 2025-09-28. Review status: criteria provided, single submitter. Criteria: Invitae Variant Classification Sherloc (09022015). Collection method: clinical testing. Allele origin: germline.

Color Diagnostics, LLC DBA Color Health
Classification: Likely benign for Hereditary cancer-predisposing syndrome. Last evaluated: 2016-10-11. Review status: criteria provided, single submitter. Criteria: ACMG Guidelines, 2015. Collection method: clinical testing. Allele origin: germline.

GeneDx
Classification: Benign. Last evaluated: 2015-05-22. Review status: criteria provided, single submitter. Criteria: GeneDx Variant Classification (06012015). Collection method: clinical testing. Allele origin: germline. Affected: yes.
Comment: This variant is considered likely benign or benign based on one or more of the following criteria: it is a conservative change, it occurs at a poorly conserved position in the protein, it is predicted to be benign by multiple in silico algorithms, and/or has population frequency not consistent with disease.

NM_000465.4(BARD1):c.364+17T>C

Gene: BARD1 (BRCA1 associated RING domain 1; minus strand). Cytogenetic location: 2q35.
Variant type: single nucleotide variant.
Coding change: c.364+17T>C on transcript NM_000465.4 (MANE Select); 17 bases into the intron after coding-DNA position 364, T replaced by C.
Molecular consequence: intron variant.
Genome position (GRCh38, 1-based): chr2:214,792,280, A>G on the plus strand (T>C on the coding strand, the complement: BARD1 is on the minus strand). VCF-style: chr2-214792280-A-G. GRCh37 (hg19) VCF-style: chr2-215657004-A-G.
Other names: c.364+17T>C (LRG_297t1, NM_001282549.2); c.158+17132T>C (NM_001282548.2); c.307+17T>C (NM_001282543.2); c.215+4781T>C (NM_001282545.2).
Identifiers: ClinVar variation 377552 (VCV000377552.12), dbSNP rs375358131, ClinGen allele CA2090447.